The following is an entry in ClinVar:

NM_020791.4(TAOK1):c.691A>G (p.Met231Val)

Gene: TAOK1 (TAO kinase 1; plus strand). Cytogenetic location: 17q11.2.
Variant type: single nucleotide variant.
Coding change: c.691A>G on transcript NM_020791.4 (MANE Select); coding-DNA position 691, A replaced by G.
Protein change: p.Met231Val; replaces methionine 231 with valine.
Molecular consequence: missense variant.
Genome position (GRCh38, 1-based): chr17:29,489,699, A>G. VCF-style: chr17-29489699-A-G. GRCh37 (hg19) VCF-style: chr17-27816717-A-G.
Other names: c.691A>G, p.Met231Val (NM_025142.1); short protein forms M231V.
Identifiers: ClinVar variation 1312091 (VCV001312091.2), dbSNP rs2153027505, ClinGen allele CA399192429.
Genomic context (GRCh38, chr17:29,489,699, plus strand): 5'-CAGGAATGTTTCCTTTCTTTTACAGCGGAAAGGAAGCCTCCTTTATTTAATATGAATGCA[A>G]TGAGTGCCTTATATCACATAGCCCAAAATGAATCCCCTACACTACAGTCTAATGAATGGT-3'
Protein context (NP_065842.1, residues 221-241): RKPPLFNMNA[Met231Val]SALYHIAQNE

ClinVar aggregate classification (germline): Uncertain significance (1 of 4 stars; one submission).

Submission:

GeneDx
Classification: Uncertain significance. Last evaluated: 2019-09-11. Review status: criteria provided, single submitter. Criteria: GeneDx Variant Classification Process June 2021. Collection method: clinical testing. Allele origin: germline. Affected: yes.
Comment: Not observed in large population cohorts (Lek et al., 2016); In silico analysis, which includes protein predictors, splice predictors, and evolutionary conservation, supports a deleterious effect; Has not been previously published as pathogenic or benign to our knowledge; Variants in candidate genes are classified as variants of uncertain significance in accordance with ACMG guidelines (Richards et al., 2015); This variant is associated with the following publications: (PMID: 33565190)